The following is an entry in ClinVar:

NM_001042492.3(NF1):c.1986dup (p.Gly663fs)

Gene: NF1 (neurofibromin 1; plus strand). Cytogenetic location: 17q11.2.
Variant type: Duplication.
Coding change: c.1986dup on transcript NM_001042492.3 (MANE Select); coding-DNA position 1986, one base duplicated (A; older notation c.1986dupA).
Protein change: p.Gly663fs; shifts the reading frame from glycine 663.
Molecular consequence: frameshift variant.
Genome position (GRCh38, 1-based): chr17:31,225,235, A duplicated; the last of 4 consecutive A bases (chr17:31,225,232-31,225,235); duplicating any one gives the same sequence. VCF-style (leftmost placement, unchanged base first): chr17-31225231-G-GA. GRCh37 (hg19) VCF-style: chr17-29552249-G-GA.
Other names: c.1986dup, p.Gly663Argfs (NM_000267.4); short protein forms G663fs.
Identifiers: ClinVar variation 1380726 (VCV001380726.6), dbSNP rs2066993468, ClinGen allele CA2573153242.

ClinVar aggregate classification (germline): Pathogenic (1 of 4 stars; one submission).

Conditions:
Neurofibromatosis, type 1 (NF1). Also called: VON RECKLINGHAUSEN DISEASE; Peripheral type neurofibromatosis; Neurofibromatosis, type I; NEUROFIBROMATOSIS, TYPE I, SOMATIC. Identifiers: Orphanet 636, MedGen C0027831, MONDO:0018975, OMIM 162200. Disease mechanism: loss of function.

Submission:

Labcorp Genetics (formerly Invitae), Labcorp
Classification: Pathogenic for Neurofibromatosis, type 1. Last evaluated: 2021-05-17. Review status: criteria provided, single submitter. Criteria: Invitae Variant Classification Sherloc (09022015). Collection method: clinical testing. Allele origin: germline.
Comment: This sequence change creates a premature translational stop signal (p.Gly663Argfs*7) in the NF1 gene. It is expected to result in an absent or disrupted protein product. Loss-of-function variants in NF1 are known to be pathogenic (PMID: 10712197, 23913538). This variant is not present in population databases (ExAC no frequency). This variant has not been reported in the literature in individuals with NF1-related conditions. For these reasons, this variant has been classified as Pathogenic.

Literature cited by the submitters: PubMed 10712197; PubMed 23913538.